The following is an entry in ClinVar:

ClinVar aggregate classification (germline): Likely pathogenic (1 of 4 stars; one submission).

Conditions:
Metaphyseal chondrodysplasia, Schmid type (MCDS). Also called: SPONDYLOMETAPHYSEAL DYSPLASIA, JAPANESE TYPE. Identifiers: Orphanet 174, MedGen C0265289, MONDO:0007983, OMIM 156500.

Submission:

Juno Genomics, Hangzhou Juno Genomics, Inc
Classification: Likely pathogenic for Metaphyseal chondrodysplasia, Schmid type. Review status: criteria provided, single submitter. Criteria: ACMG Guidelines, 2015. Collection method: clinical testing. Allele origin: germline. Affected: yes.
Comment: Absent from controls (or at extremely low frequency if recessive) in Genome Aggregation Database, Exome Sequencing Project, 1000 Genomes Project, or Exome Aggregation Consortium.;Multiple lines of computational evidence support a deleterious effect on the gene or gene product (conservation, evolutionary, splicing impact, etc).;Assumed de novo, but without confirmation of paternity and maternity.

NM_000493.4(COL10A1):c.415G>T (p.Gly139Cys)

Genes: COL10A1 (collagen type X alpha 1 chain; minus strand), NT5DC1 (5'-nucleotidase domain containing 1; plus strand). Cytogenetic location: 6q22.1.
Variant type: single nucleotide variant.
Coding change: c.415G>T on transcript NM_000493.4 (MANE Select); coding-DNA position 415, G replaced by T.
Protein change: p.Gly139Cys; replaces glycine 139 with cysteine.
Molecular consequence: missense variant. On other transcripts: intron variant (1).
Genome position (GRCh38, 1-based): chr6:116,121,701, C>A on the plus strand (G>T on the coding strand, the complement: COL10A1 is on the minus strand). VCF-style: chr6-116121701-C-A. GRCh37 (hg19) VCF-style: chr6-116442864-C-A.
Other names: c.415G>T, p.Gly139Cys (NM_001424106.1, NM_001424107.1); c.529+3756C>A (NM_152729.3); short protein forms G139C.
Identifiers: ClinVar variation 3382399 (VCV003382399.2).